The following is an entry in ClinVar:

NM_015335.5(MED13L):c.1010-3del

Gene: MED13L (mediator complex subunit 13L; minus strand). Cytogenetic location: 12q24.21.
Variant type: Deletion.
Coding change: c.1010-3del on transcript NM_015335.5 (MANE Select); 3 bases into the intron before coding-DNA position 1010, one base deleted (C; older notation c.1010-3delC).
Molecular consequence: intron variant.
Genome position (GRCh38, 1-based): chr12:116,015,277, G deleted on the plus strand (C on the coding strand, the reverse complement: MED13L is on the minus strand). VCF-style (leftmost placement, unchanged base first): chr12-116015276-TG-T. GRCh37 (hg19) VCF-style: chr12-116453081-TG-T.
Identifiers: ClinVar variation 4703081 (VCV004703081.1).

ClinVar aggregate classification (germline): Uncertain significance (1 of 4 stars; one submission).

Conditions:
Dextro-looped transposition of the great arteries. Also called: Dextrotransposition of the great arteries. Identifiers: Orphanet 860, MedGen C3531771, MONDO:0019443, OMIM 608808, HP:0031348.

Submission:

Labcorp Genetics (formerly Invitae), Labcorp
Classification: Uncertain significance for Dextro-looped transposition of the great arteries. Last evaluated: 2025-12-15. Review status: criteria provided, single submitter. Criteria: Invitae Variant Classification Sherloc (09022015). Collection method: clinical testing. Allele origin: germline.
Comment: This sequence change falls in intron 7 of the MED13L gene. It does not directly change the encoded amino acid sequence of the MED13L protein. It affects a nucleotide within the consensus splice site. This variant is not present in population databases (gnomAD no frequency). This variant has not been reported in the literature in individuals affected with MED13L-related conditions. Variants that disrupt the consensus splice site are a relatively common cause of aberrant splicing (PMID: 17576681, 9536098). Algorithms developed to predict the effect of sequence changes on RNA splicing suggest that this variant is not likely to affect RNA splicing. In summary, the available evidence is currently insufficient to determine the role of this variant in disease. Therefore, it has been classified as a Variant of Uncertain Significance.

Literature cited by the submitters: PubMed 17576681; PubMed 9536098.